The following is an entry in ClinVar:

ClinVar aggregate classification (germline): Likely benign (1 of 4 stars; one submission).

gnomAD v4.1: 3 of 1,607,504 alleles (0.00019%); highest among the groups gnomAD compares: Non-Finnish European, 0.00025%; no homozygotes.

Submission:

CeGaT Center for Human Genetics Tuebingen
Classification: Likely benign. Last evaluated: 2025-12-01. Review status: criteria provided, single submitter. Criteria: CeGaT Center For Human Genetics Tuebingen Variant Classification Criteria Version 2. Collection method: clinical testing. Allele origin: germline. Affected: yes. Observed: 1 variant allele.
Comment: HNRNPR: PP2, BS2

NM_005826.5(HNRNPR):c.683G>C (p.Ser228Thr)

Gene: HNRNPR (heterogeneous nuclear ribonucleoprotein R; minus strand). Cytogenetic location: 1p36.12.
Variant type: single nucleotide variant.
Coding change: c.683G>C on transcript NM_005826.5 (MANE Select); coding-DNA position 683, G replaced by C.
Protein change: p.Ser228Thr; replaces serine 228 with threonine.
Molecular consequence: missense variant.
Genome position (GRCh38, 1-based): chr1:23,321,656, C>G on the plus strand (G>C on the coding strand, the complement: HNRNPR is on the minus strand). VCF-style: chr1-23321656-C-G. GRCh37 (hg19) VCF-style: chr1-23648149-C-G.
Other names: c.380G>C, p.Ser127Thr (NM_001102397.3, NM_001102399.3); c.683G>C, p.Ser228Thr (NM_001102398.3, NM_001438564.1); c.569G>C, p.Ser190Thr (NM_001297620.2); c.203G>C, p.Ser68Thr (NM_001297621.2); c.266G>C, p.Ser89Thr (NM_001297622.2); c.506G>C, p.Ser169Thr (NM_001437727.1); short protein forms S127T, S169T, S190T, S228T, S68T, S89T.
Identifiers: ClinVar variation 4681531 (VCV004681531.5).